The following is an entry in ClinVar:

ClinVar aggregate classification (germline): Pathogenic. Review status: criteria provided, multiple submitters, no conflicts (2 of 4 stars). 12 submissions from 11 submitters: Pathogenic (11). 1 of the submissions does not count toward it. Last evaluated 2026-10-01.

Conditions:
PALB2-related disorder. Also called: PALB2-related disorders; PALB2-related condition.
Breast-ovarian cancer, familial, susceptibility to, 5 (BROVCA5). Identifiers: MedGen C5830615, MONDO:0957530, OMIM 620442.
Hereditary cancer-predisposing syndrome. Also called: Neoplastic Syndromes, Hereditary; Hereditary Cancer Syndrome; Tumor predisposition; Hereditary neoplastic syndrome. Identifiers: Orphanet 140162, MedGen C0027672, MeSH D009386, MONDO:0015356.
Familial cancer of breast. Also called: BREAST CANCER, FAMILIAL; hereditary breast carcinoma; Hereditary breast cancer. Identifiers: Orphanet 227535, MedGen C0346153, MONDO:0016419, OMIM 114480. Disease mechanism: loss of function.
Fanconi anemia complementation group N. Also called: PALB2-Related Fanconi Anemia. Identifiers: Orphanet 84, MedGen C1835817, MONDO:0012565, OMIM 610832. Disease mechanism: loss of function.
Pancreatic cancer, susceptibility to, 3. Identifiers: Orphanet 1333, MedGen C3150547, MONDO:0013236, OMIM 613348.
Precursor B-cell acute lymphoblastic leukemia. Also called: Pre-B-cell acute lymphoblastic leukemia; B Acute Lymphoblastic Leukemia. Identifiers: Orphanet 99860, MedGen C0349636, MONDO:0020511, HP:0004812.
Malignant tumor of breast. Also called: Malignant breast neoplasm; Cancer breast. Identifiers: MedGen C0006142, MONDO:0007254. Disease mechanism: loss of function.

Submissions (12):

St. Jude Molecular Pathology, St. Jude Children's Research Hospital
Classification: Pathogenic for Familial cancer of breast. Last evaluated: 2026-10-01. Review status: criteria provided, single submitter. Criteria: St. Jude Assertion Criteria 2020. Collection method: clinical testing. Allele origin: germline.
Comment: The PALB2 c.1675_1676delinsTG p.(Gln559Ter) change results from the deletion of two nucleotides and insertion of two nucleotides, resulting in the creation of a stop codon. This change is predicted to cause protein truncation or absence of protein due to nonsense-mediated decay. This variant has been reported in individuals with breast and pancreatic cancer (PMID: 26681312, 33413558). In summary, this variant meets criteria to be classified as pathogenic.

Dasa
Classification: Pathogenic for Breast-ovarian cancer, familial, susceptibility to, 5. Last evaluated: 2026-02-18. Review status: criteria provided, single submitter. Criteria: DASA Assertion Criteria. Collection method: clinical testing. Allele origin: germline.
Comment: NM_024675.4(PALB2):c.1675_1676inv (p.Gln559*) is a nonsense variant in PALB2 predicted to introduce a premature termination codon and is predicted to result in an absent or altered protein product. Loss of function is an established disease mechanism for PALB2 (PMID: 17200668; PMID: 25099575; PMID: 31841383). The affected residue or protein region has prior evidence supporting clinical relevance. Also, this variant is rare in population databases. Based on the currently available evidence, this variant is classified as pathogenic.

Labcorp Genetics (formerly Invitae), Labcorp
Classification: Pathogenic for Familial cancer of breast. Last evaluated: 2026-02-01. Review status: criteria provided, single submitter. Criteria: Invitae Variant Classification Sherloc (09022015). Collection method: clinical testing. Allele origin: germline.
Comment: This sequence change creates a premature translational stop signal (p.Gln559*) in the PALB2 gene. It is expected to result in an absent or disrupted protein product. Loss-of-function variants in PALB2 are known to be pathogenic (PMID: 17200668, 17200671, 17200672, 24136930, 25099575). The frequency data for this variant in the population databases is considered unreliable, as metrics indicate poor data quality at this position in the gnomAD database. This premature translational stop signal has been observed in individual(s) with breast cancer (PMID: 26681312). ClinVar contains an entry for this variant (Variation ID: 128121). For these reasons, this variant has been classified as Pathogenic.

Ambry Genetics
Classification: Pathogenic for Hereditary cancer-predisposing syndrome. Last evaluated: 2025-10-31. Review status: criteria provided, single submitter. Criteria: Ambry Variant Classification Scheme 2023. Collection method: clinical testing. Allele origin: germline.
Comment: The c.1675_1676delCAinsTG pathogenic mutation, located in coding exon 4 of the PALB2 gene, results from an in-frame deletion of CA and insertion of TG at nucleotide positions 1675 and 1676. This changes the glutamine at codon 559 to a stop codon (p.Q559*). This variant was not reported in population-based cohorts in the Genome Aggregation Database (gnomAD). This mutation was identified in a breast cancer proband from a cohort of 10030 consecutive patients referred for evaluation by an NGS hereditary cancer panel (Susswein, 2016). Based on the available evidence, this alteration is classified as pathogenic.

Myriad Genetics, Inc.
Classification: Pathogenic for Familial cancer of breast. Last evaluated: 2023-09-11. Review status: criteria provided, single submitter. Criteria: Myriad Autosomal Dominant, Autosomal Recessive and X-Linked Classification Criteria (2023). Collection method: clinical testing. Allele origin: unknown.
Comment: This variant is considered pathogenic. This variant creates a termination codon and is predicted to result in premature protein truncation.

Quest Diagnostics Nichols Institute San Juan Capistrano
Classification: Pathogenic. Last evaluated: 2023-08-22. Review status: criteria provided, single submitter. Criteria: Quest Diagnostics criteria. Collection method: clinical testing. Allele origin: unknown.
Comment: This variant causes the premature termination of PALB2 protein synthesis. In the published literature, this variant has been reported in individuals with breast cancer (PMID: 26681312 (2015)) and pancreatic cancer (PMID: 33413558 (2021)). This variant has not been reported in large, multi-ethnic general populations (Genome Aggregation Database). Based on the available information, this variant is classified as pathogenic.

GeneDx
Classification: Pathogenic. Last evaluated: 2023-07-19. Review status: criteria provided, single submitter. Criteria: GeneDx Variant Classification Process June 2021. Collection method: clinical testing. Allele origin: germline. Affected: yes.
Comment: Observed in individuals with a personal or family history consistent with pathogenic variants in this gene (Bonache et al., 2018; Momozawa et al., 2018; Abe et al., 2021; Botrus et al., 2022); Nonsense variant predicted to result in protein truncation or nonsense mediated decay in a gene for which loss-of-function is a known mechanism of disease; Not observed at significant frequency in large population cohorts (gnomAD); Truncating variants in this gene are considered pathogenic by a well-established clinical consortium and/or database; This variant is associated with the following publications: (PMID: 26681312, 28152038, 30287823, 30306255, 30792206, 31589614, 33413558, 35238112, 36359225)

Color Diagnostics, LLC DBA Color Health
Classification: Pathogenic for Hereditary cancer-predisposing syndrome. Last evaluated: 2023-05-16. Review status: criteria provided, single submitter. Criteria: ACMG Guidelines, 2015. Collection method: clinical testing. Allele origin: germline.
Comment: This variant changes 1 nucleotide in exon 4 of the PALB2 gene, creating a premature translation stop signal. This variant is expected to result in an absent or non-functional protein product. This variant has been reported in an individual with breast cancer (PMID: 26681312) and in an individual with familial pancreatic cancer (PMID: 33413558). This variant has not been identified in the general population by the Genome Aggregation Database (gnomAD). Loss of PALB2 function is a known mechanism of disease. Based on the available evidence, this variant is classified as Pathogenic.

Fulgent Genetics
Classification: Pathogenic for Familial cancer of breast; Fanconi anemia complementation group N; Pancreatic cancer, susceptibility to, 3. Last evaluated: 2021-12-18. Review status: criteria provided, single submitter. Criteria: ACMG Guidelines, 2015. Collection method: clinical testing. Allele origin: unknown.

Women's Health and Genetics/Laboratory Corporation of America, LabCorp
Classification: Pathogenic for breast cancer. Last evaluated: 2020-12-07. Review status: criteria provided, single submitter. Criteria: LabCorp Variant Classification Summary - May 2015. Collection method: clinical testing. Allele origin: germline.
Comment: Variant summary: PALB2 c.1675_1676delinsTG (p.Gln559X) results in a premature termination codon, predicted to cause a truncation of the encoded protein or absence of the protein due to nonsense mediated decay, which are commonly known mechanisms for disease. Truncations downstream of this position have been classified as pathogenic by our laboratory. The variant allele was found at a frequency of 8e-06 in 250092 control chromosomes. c.1675_1676delinsTG has been reported in the literature in at least one individual affected with Breast Cancer (e.g. Susswein_2016). These data do not allow any conclusion about variant significance. To our knowledge, no experimental evidence demonstrating an impact on protein function has been reported. Five other clinical diagnostic laboratories have submitted clinical-significance assessments for this variant to ClinVar after 2014 without evidence for independent evaluation. All laboratories classified the variant as pathogenic. Based on the evidence outlined above, the variant was classified as pathogenic.

St. Jude Molecular Pathology, St. Jude Children's Research Hospital
Classification: Pathogenic for Pre-B-cell acute lymphoblastic leukemia. Last evaluated: 2016-11-18. Review status: criteria provided, single submitter. Criteria: ACMG Guidelines, 2015. Collection method: clinical testing. Allele origin: germline. Affected: yes.
Comment: This is a nonsense alteration in which coding positions 1675 and 1676 are deleted and replaced by TG. This alteration is predicted to change a Glutamine to a premature stop codon at amino acid codon 559. Classification criteria: PVS1, PS3, PM2.

PreventionGenetics, part of Exact Sciences
Classification: Pathogenic for PALB2-related condition. Last evaluated: 2024-07-12. Review status: no assertion criteria provided. Collection method: clinical testing. Allele origin: germline. Not counted in ClinVar's aggregate classification.
Comment: The PALB2 c.1675_1676delinsTG variant is predicted to result in premature protein termination (p.Gln559*). This variant has been reported in multiple large cancer studies (see example: Table S1, Susswein et al. 2016. PubMed ID: 26681312; Abe et al. 2021. PubMed ID: 33413558). This variant is not present in a large population database and is reported  as pathogenic in the ClinVar database. Nonsense variants in PALB2 are expected to be pathogenic. Given all the evidence, we interpret c.1675_1676delinsTG (p.Gln559*) as pathogenic.

Literature cited by the submitters: PubMed 17200668 (cited by Dasa and Labcorp Genetics (formerly Invitae), Labcorp); PubMed 25099575 (cited by Dasa and Labcorp Genetics (formerly Invitae), Labcorp); PubMed 31841383 (cited by Dasa); PubMed 17200671 (cited by Labcorp Genetics (formerly Invitae), Labcorp); PubMed 17200672 (cited by Labcorp Genetics (formerly Invitae), Labcorp); PubMed 24136930 (cited by Labcorp Genetics (formerly Invitae), Labcorp); PubMed 26681312 (cited by 5 submitters); PubMed 33413558 (cited by Quest Diagnostics Nichols Institute San Juan Capistrano and Color Diagnostics, LLC DBA Color Health).

NM_024675.4(PALB2):c.1675_1676delinsTG

Gene: PALB2 (partner and localizer of BRCA2; minus strand). Cytogenetic location: 16p12.2.
Variant type: Inversion.
Coding change: c.1675_1676delinsTG on transcript NM_024675.4 (MANE Select); coding-DNA positions 1675 to 1676, CA replaced by TG.
Genome position (GRCh38, 1-based): chr16:23,634,870-23,634,871, TG replaced by CA on the plus strand (CA replaced by TG on the coding strand, the reverse complement: PALB2 is on the minus strand). VCF-style: chr16-23634870-TG-CA. GRCh37 (hg19) VCF-style: chr16-23646191-TG-CA.
Other names: c.1675_1676inv (NM_024675.4); c.1675_1676inv, p.Gln559Ter (LRG_308t1).
Identifiers: ClinVar variation 128121 (VCV000128121.38), ClinGen allele CA288410.